The following is an entry in ClinVar:

ClinVar aggregate classification (germline): Uncertain significance. Review status: criteria provided, multiple submitters, no conflicts (2 of 4 stars). 2 submissions from 2 submitters: Uncertain significance (2). Last evaluated 2024-10-14.

Conditions:
Long QT syndrome (LQTS). Identifiers: MedGen C0023976, MeSH D008133, MONDO:0002442. Disease mechanism: loss of function. Inheritance: Various modes of inheritance.
Cardiovascular phenotype. Identifiers: MedGen CN230736.

Allele frequency attached by ClinVar (database versions not stated): gnomAD exomes below 0.00001.
gnomAD v4.1: 2 of 1,613,630 alleles (0.00012%); highest among the groups gnomAD compares: Non-Finnish European, 0.00017%; no homozygotes.

Submissions (2):

Ambry Genetics
Classification: Uncertain significance for Cardiovascular phenotype. Last evaluated: 2024-10-14. Review status: criteria provided, single submitter. Criteria: Ambry Variant Classification Scheme 2023. Collection method: clinical testing. Allele origin: germline.
Comment: The p.I2923V variant (also known as c.8767A>G), located in coding exon 35 of the AKAP9 gene, results from an A to G substitution at nucleotide position 8767. The isoleucine at codon 2923 is replaced by valine, an amino acid with highly similar properties. This amino acid position is conserved. In addition, this alteration is predicted to be tolerated by in silico analysis. Based on the available evidence, the clinical significance of this variant remains unclear.

Labcorp Genetics (formerly Invitae), Labcorp
Classification: Uncertain significance for Long QT syndrome. Last evaluated: 2024-01-13. Review status: criteria provided, single submitter. Criteria: Invitae Variant Classification Sherloc (09022015). Collection method: clinical testing. Allele origin: germline.
Comment: This sequence change replaces isoleucine, which is neutral and non-polar, with valine, which is neutral and non-polar, at codon 2923 of the AKAP9 protein (p.Ile2923Val). This variant is not present in population databases (gnomAD no frequency). This variant has not been reported in the literature in individuals affected with AKAP9-related conditions. An algorithm developed to predict the effect of missense changes on protein structure and function (PolyPhen-2) suggests that this variant is likely to be tolerated. In summary, the available evidence is currently insufficient to determine the role of this variant in disease. Therefore, it has been classified as a Variant of Uncertain Significance.

NM_005751.5(AKAP9):c.8767A>G (p.Ile2923Val)

Gene: AKAP9 (A-kinase anchoring protein 9; plus strand). Cytogenetic location: 7q21.2.
Variant type: single nucleotide variant.
Coding change: c.8767A>G on transcript NM_005751.5 (MANE Select); coding-DNA position 8767, A replaced by G.
Protein change: p.Ile2923Val; replaces isoleucine 2923 with valine.
Molecular consequence: missense variant.
Genome position (GRCh38, 1-based): chr7:92,084,875, A>G. VCF-style: chr7-92084875-A-G. GRCh37 (hg19) VCF-style: chr7-91714189-A-G.
Other names: c.3412A>G, p.Ile1138Val (NM_001379277.1); c.8743A>G, p.Ile2915Val (NM_147185.3); short protein forms I2923V, I1138V, I2915V.
Identifiers: ClinVar variation 2899319 (VCV002899319.4), dbSNP rs1941492100, ClinGen allele CA368141388.
Genomic context (GRCh38, chr7:92,084,875, plus strand): 5'-TTAGATTCTGGATCAGACTGGGGTCAGGGAATTTATCTTACACACAGTCAGGGATTTGAC[A>G]TAGCATCAGAAGGCCGAGGAGAAGAAAGTGAAAGTGCAACAGATTCCTTTCCAAAGAAAA-3'
Protein context (NP_005742.4, residues 2913-2933): IYLTHSQGFD[Ile2923Val]ASEGRGEESE